The following is an entry in ClinVar:

ClinVar aggregate classification (germline): Uncertain significance. Review status: criteria provided, multiple submitters, no conflicts (2 of 4 stars). 2 submissions from 2 submitters: Uncertain significance (2). Last evaluated 2023-01-22.

Conditions:
Hereditary cancer-predisposing syndrome. Also called: Hereditary Cancer Syndrome; Neoplastic Syndromes, Hereditary; Tumor predisposition; Hereditary neoplastic syndrome. Identifiers: Orphanet 140162, MedGen C0027672, MeSH D009386, MONDO:0015356.
Familial adenomatous polyposis 1 (FAP1). Also called: POLYPOSIS, ADENOMATOUS INTESTINAL; FAMILIAL ADENOMATOUS POLYPOSIS 1, ATTENUATED. Identifiers: MedGen C2713442, MONDO:0021056, OMIM 175100. Disease mechanism: loss of function.

Allele frequency attached by ClinVar (database versions not stated): gnomAD exomes below 0.00001.
gnomAD v4.1: 1 of 1,613,172 alleles (0.000062%); highest among the groups gnomAD compares: Non-Finnish European, 0.000085%; no homozygotes.

Submissions (2):

Labcorp Genetics (formerly Invitae), Labcorp
Classification: Uncertain significance for Familial adenomatous polyposis 1. Last evaluated: 2023-01-22. Review status: criteria provided, single submitter. Criteria: Invitae Variant Classification Sherloc (09022015). Collection method: clinical testing. Allele origin: germline.
Comment: This variant has not been reported in the literature in individuals affected with APC-related conditions. This sequence change replaces alanine, which is neutral and non-polar, with valine, which is neutral and non-polar, at codon 449 of the APC protein (p.Ala449Val). This variant is not present in population databases (gnomAD no frequency). ClinVar contains an entry for this variant (Variation ID: 490193). Advanced modeling of protein sequence and biophysical properties (such as structural, functional, and spatial information, amino acid conservation, physicochemical variation, residue mobility, and thermodynamic stability) performed at Invitae indicates that this missense variant is not expected to disrupt APC protein function. In summary, the available evidence is currently insufficient to determine the role of this variant in disease. Therefore, it has been classified as a Variant of Uncertain Significance.

Color Diagnostics, LLC DBA Color Health
Classification: Uncertain significance for Hereditary cancer-predisposing syndrome. Last evaluated: 2019-01-18. Review status: criteria provided, single submitter. Criteria: ACMG Guidelines, 2015. Collection method: clinical testing. Allele origin: germline.

NM_000038.6(APC):c.1346C>T (p.Ala449Val)

Gene: APC (APC regulator of Wnt signaling pathway; plus strand). Cytogenetic location: 5q22.2.
Variant type: single nucleotide variant.
Coding change: c.1346C>T on transcript NM_000038.6 (MANE Select); coding-DNA position 1346, C replaced by T.
Protein change: p.Ala449Val; replaces alanine 449 with valine.
Molecular consequence: missense variant.
Genome position (GRCh38, 1-based): chr5:112,821,929, C>T. VCF-style: chr5-112821929-C-T. GRCh37 (hg19) VCF-style: chr5-112157626-C-T.
Other names: c.1346C>T, p.Ala449Val (NM_001127510.3, NM_001354895.2, NM_001354896.2); c.1292C>T, p.Ala431Val (NM_001127511.3); c.1376C>T, p.Ala459Val (NM_001354897.2); c.1271C>T, p.Ala424Val (NM_001354898.2); c.1262C>T, p.Ala421Val (NM_001354899.2); c.1169C>T, p.Ala390Val (NM_001354900.2, NM_001354901.2); c.1073C>T, p.Ala358Val (NM_001354902.2); c.1043C>T, p.Ala348Val (NM_001354903.2); and 3 more; short protein forms A431V, A449V, A323V, A358V, A348V, A390V, A421V, A424V.
Identifiers: ClinVar variation 490193 (VCV000490193.9), dbSNP rs1554080697, ClinGen allele CA16024253.